The following is an entry in ClinVar:

NM_000337.6(SGCD):c.843T>C (p.Thr281=)

Gene: SGCD (sarcoglycan delta; plus strand). Cytogenetic location: 5q33.3.
Variant type: single nucleotide variant.
Coding change: c.843T>C on transcript NM_000337.6 (MANE Select); coding-DNA position 843, T replaced by C.
Protein change: p.Thr281=; no amino-acid change (threonine 281 retained).
Molecular consequence: synonymous variant.
Genome position (GRCh38, 1-based): chr5:156,759,360, T>C. VCF-style: chr5-156759360-T-C. GRCh37 (hg19) VCF-style: chr5-156186371-T-C.
Other names: c.840T>C, p.Thr280= (NM_001128209.2).
Identifiers: ClinVar variation 3347343 (VCV003347343.1).

ClinVar aggregate classification (germline): Likely benign (0 of 4 stars; one submission).

Conditions:
SGCD-related disorder. Also called: SGCD-related condition.

Submission:

PreventionGenetics, part of Exact Sciences
Classification: Likely benign for SGCD-related condition. Last evaluated: 2024-04-09. Review status: no assertion criteria provided. Collection method: clinical testing. Allele origin: germline.
Comment: This variant is classified as likely benign based on ACMG/AMP sequence variant interpretation guidelines (Richards et al. 2015 PMID: 25741868, with internal and published modifications).